The following is an entry in ClinVar:

ClinVar aggregate classification (germline): Uncertain significance (1 of 4 stars; one submission).

Conditions:
Cerebral folate transport deficiency. Also called: FOLR1-Related Cerebral Folate Transport Deficiency; FOLATE RECEPTOR DEFICIENCY; Cerebral folate deficiency syndrome; Neurodegenerative syndrome due to cerebral folate transport deficiency; NEURODEGENERATION DUE TO CEREBRAL FOLATE TRANSPORT DEFICIENCY. Identifiers: Orphanet 217382, MedGen C2751584, MONDO:0013110, OMIM 613068. Disease mechanism: loss of function.

Allele frequency attached by ClinVar (database versions not stated): gnomAD exomes 0.00001 and 0.00002; ExAC 0.00002; TOPMed 0.00003; gnomAD 0.00004.

Submission:

Labcorp Genetics (formerly Invitae), Labcorp
Classification: Uncertain significance for Cerebral folate transport deficiency. Last evaluated: 2022-08-23. Review status: criteria provided, single submitter. Criteria: Invitae Variant Classification Sherloc (09022015). Collection method: clinical testing. Allele origin: germline.
Comment: This sequence change replaces arginine, which is basic and polar, with histidine, which is basic and polar, at codon 147 of the FOLR1 protein (p.Arg147His). This variant is present in population databases (rs753241819, gnomAD 0.01%). This variant has not been reported in the literature in individuals affected with FOLR1-related conditions. ClinVar contains an entry for this variant (Variation ID: 665752). Algorithms developed to predict the effect of missense changes on protein structure and function output the following: SIFT: "Deleterious"; PolyPhen-2: "Benign"; Align-GVGD: "Class C0". The histidine amino acid residue is found in multiple mammalian species, which suggests that this missense change does not adversely affect protein function. In summary, the available evidence is currently insufficient to determine the role of this variant in disease. Therefore, it has been classified as a Variant of Uncertain Significance.

NM_016729.3(FOLR1):c.440G>A (p.Arg147His)

Genes: FOLR1-AS1 (FOLR1 antisense RNA 1; minus strand), FOLR1 (folate receptor alpha; plus strand). Cytogenetic location: 11q13.4.
Variant type: single nucleotide variant.
Coding change: c.440G>A on transcript NM_016729.3 (MANE Select); coding-DNA position 440, G replaced by A.
Protein change: p.Arg147His; replaces arginine 147 with histidine.
Molecular consequence: missense variant.
Genome position (GRCh38, 1-based): chr11:72,195,694, G>A. VCF-style: chr11-72195694-G-A. GRCh37 (hg19) VCF-style: chr11-71906738-G-A.
Other names: c.440G>A, p.Arg147His (NM_000802.3, NM_016724.3, NM_016725.3); short protein forms R147H.
Identifiers: ClinVar variation 665752 (VCV000665752.4), dbSNP rs753241819, ClinGen allele CA6169192.